The following is an entry in ClinVar:

ClinVar aggregate classification (germline): Uncertain significance (1 of 4 stars; one submission).

Conditions:
Glycogen storage disease type III (GSD3). Also called: Cori disease; FORBES DISEASE. Identifiers: Orphanet 366, MedGen C0017922, MONDO:0009291, OMIM 232400.

Submission:

Labcorp Genetics (formerly Invitae), Labcorp
Classification: Uncertain significance for Glycogen storage disease type III. Last evaluated: 2024-07-12. Review status: criteria provided, single submitter. Criteria: Invitae Variant Classification Sherloc (09022015). Collection method: clinical testing. Allele origin: germline.
Comment: This sequence change replaces glutamic acid, which is acidic and polar, with glycine, which is neutral and non-polar, at codon 26 of the AGL protein (p.Glu26Gly). This variant is not present in population databases (gnomAD no frequency). This variant has not been reported in the literature in individuals affected with AGL-related conditions. An algorithm developed to predict the effect of missense changes on protein structure and function (PolyPhen-2) suggests that this variant is likely to be tolerated. In summary, the available evidence is currently insufficient to determine the role of this variant in disease. Therefore, it has been classified as a Variant of Uncertain Significance.

NM_000642.3(AGL):c.77A>G (p.Glu26Gly)

Gene: AGL (amylo-alpha-1,6-glucosidase and 4-alpha-glucanotransferase; plus strand). Cytogenetic location: 1p21.2.
Variant type: single nucleotide variant.
Coding change: c.77A>G on transcript NM_000642.3 (MANE Select); coding-DNA position 77, A replaced by G.
Protein change: p.Glu26Gly; replaces glutamic acid 26 with glycine.
Molecular consequence: missense variant. On other transcripts: 5 prime UTR variant (1).
Genome position (GRCh38, 1-based): chr1:99,851,119, A>G. VCF-style: chr1-99851119-A-G. GRCh37 (hg19) VCF-style: chr1-100316675-A-G.
Other names: c.77A>G, p.Glu26Gly (NM_000028.3, NM_000643.3, NM_000644.3 and 6 more transcripts); c.-115A>G (NM_000646.3); short protein forms E26G.
Identifiers: ClinVar variation 3624773 (VCV003624773.2).
Genomic context (GRCh38, chr1:99,851,119, plus strand): 5'-AGATTCGAATTTTACTTCTGAACGAAATGGAGAAACTGGAAAAGACCCTCTTCAGACTTG[A>G]ACAAGGTCAGTAGCAAGTTGTTTTGATTTGCTCATTTGCGTCTTTTAAACTTTTAATTCA-3'
Protein context (NP_000633.2, residues 16-36): EKLEKTLFRL[Glu26Gly]QGYELQFRLG